The following is an entry in ClinVar:

NM_001283009.2(RTEL1):c.251G>A (p.Arg84Gln)

Genes: RTEL1 (regulator of telomere elongation helicase 1; plus strand), RTEL1-TNFRSF6B (RTEL1-TNFRSF6B readthrough (NMD candidate); plus strand). Cytogenetic location: 20q13.33.
Variant type: single nucleotide variant.
Coding change: c.251G>A on transcript NM_001283009.2 (MANE Select); coding-DNA position 251, G replaced by A.
Protein change: p.Arg84Gln; replaces arginine 84 with glutamine.
Molecular consequence: missense variant. On other transcripts: non-coding transcript variant (1), 5 prime UTR variant (1).
Genome position (GRCh38, 1-based): chr20:63,661,446, G>A. VCF-style: chr20-63661446-G-A. GRCh37 (hg19) VCF-style: chr20-62292799-G-A.
Other names: c.-419G>A (NM_001283010.1); c.251G>A, p.Arg84Gln (NM_016434.4, NM_032957.5); short protein forms R84Q.
Identifiers: ClinVar variation 2167378 (VCV002167378.5), dbSNP rs201555555, ClinGen allele CA9964157.

ClinVar aggregate classification (germline): Conflicting classifications of pathogenicity. Review status: criteria provided, conflicting classifications (1 of 4 stars). 2 submissions from 2 submitters: Uncertain significance (1); Likely benign (1). Last evaluated 2025-08-07.

Conditions:
Inborn genetic diseases. Identifiers: MedGen C0950123, MeSH D030342.
Pulmonary fibrosis and/or bone marrow failure, Telomere-related, 3. Also called: PULMONARY FIBROSIS AND/OR BONE MARROW FAILURE SYNDROME, TELOMERE-RELATED, 3. Identifiers: Orphanet 2032, MedGen C4225346, MONDO:0014613, OMIM 616373.
Dyskeratosis congenita, autosomal recessive 5 (DKCB5). Identifiers: MedGen C3554656, MONDO:0014076, OMIM 615190.

gnomAD v4.1: 2 of 1,613,458 alleles (0.00012%); highest among the groups gnomAD compares: African/African-American, 0.0013%; no homozygotes.

Submissions (2):

Ambry Genetics
Classification: Likely benign for Inborn genetic diseases. Last evaluated: 2025-08-07. Review status: criteria provided, single submitter. Criteria: Ambry Variant Classification Scheme 2023. Collection method: clinical testing. Allele origin: germline.

Labcorp Genetics (formerly Invitae), Labcorp
Classification: Uncertain significance for Dyskeratosis congenita, autosomal recessive 5; Pulmonary fibrosis and/or bone marrow failure, Telomere-related, 3. Last evaluated: 2023-02-09. Review status: criteria provided, single submitter. Criteria: Invitae Variant Classification Sherloc (09022015). Collection method: clinical testing. Allele origin: germline.
Comment: This variant has not been reported in the literature in individuals affected with RTEL1-related conditions. In summary, the available evidence is currently insufficient to determine the role of this variant in disease. Therefore, it has been classified as a Variant of Uncertain Significance. Algorithms developed to predict the effect of missense changes on protein structure and function output the following: SIFT: "Tolerated"; PolyPhen-2: "Benign"; Align-GVGD: "Class C0". The glutamine amino acid residue is found in multiple mammalian species, which suggests that this missense change does not adversely affect protein function. This variant is not present in population databases (gnomAD no frequency). This sequence change replaces arginine, which is basic and polar, with glutamine, which is neutral and polar, at codon 84 of the RTEL1 protein (p.Arg84Gln).